The following is an entry in ClinVar:

NM_053025.4(MYLK):c.2318A>G (p.Asn773Ser)

Gene: MYLK (myosin light chain kinase; minus strand). Cytogenetic location: 3q21.1.
Variant type: single nucleotide variant.
Coding change: c.2318A>G on transcript NM_053025.4 (MANE Select); coding-DNA position 2318, A replaced by G.
Protein change: p.Asn773Ser; replaces asparagine 773 with serine.
Molecular consequence: missense variant.
Genome position (GRCh38, 1-based): chr3:123,707,826, T>C on the plus strand (A>G on the coding strand, the complement: MYLK is on the minus strand). VCF-style: chr3-123707826-T-C. GRCh37 (hg19) VCF-style: chr3-123426673-T-C.
Other names: c.1790A>G, p.Asn597Ser (NM_001321309.2); c.2111A>G, p.Asn704Ser (NM_053026.4, NM_053028.4); c.2318A>G, p.Asn773Ser (NM_053027.4); short protein forms N597S, N704S, N773S.
Identifiers: ClinVar variation 1789511 (VCV001789511.8), dbSNP rs1330579297, ClinGen allele CA354233801.

ClinVar aggregate classification (germline): Uncertain significance. Review status: criteria provided, multiple submitters, no conflicts (2 of 4 stars). 3 submissions from 3 submitters: Uncertain significance (3). Last evaluated 2024-07-21.

Conditions:
Familial thoracic aortic aneurysm and aortic dissection (TAAD). Also called: Thoracic aortic aneurysms and dissections. Identifiers: Orphanet 91387, MedGen C4707243, MONDO:0019625.
Aortic aneurysm, familial thoracic 7 (AAT7). Also called: AORTIC DISSECTION, FAMILIAL, WITH OR WITHOUT AORTIC ANEURYSM. Identifiers: MedGen C3151077, MONDO:0013418, OMIM 613780.

Allele frequency attached by ClinVar (database versions not stated): gnomAD exomes below 0.00001; TOPMed below 0.00001.
gnomAD v4.1: 3 of 1,614,204 alleles (0.00019%); highest among the groups gnomAD compares: Non-Finnish European, 0.00017%; no homozygotes.

Submissions (3):

Women's Health and Genetics/Laboratory Corporation of America, LabCorp
Classification: Uncertain significance. Last evaluated: 2024-07-21. Review status: criteria provided, single submitter. Criteria: LabCorp Variant Classification Summary - May 2015. Collection method: clinical testing. Allele origin: germline.

Labcorp Genetics (formerly Invitae), Labcorp
Classification: Uncertain significance for Aortic aneurysm, familial thoracic 7. Last evaluated: 2022-04-12. Review status: criteria provided, single submitter. Criteria: Invitae Variant Classification Sherloc (09022015). Collection method: clinical testing. Allele origin: germline.
Comment: This variant is present in population databases (no rsID available, gnomAD 0.004%). This sequence change replaces asparagine, which is neutral and polar, with serine, which is neutral and polar, at codon 773 of the MYLK protein (p.Asn773Ser). This variant has not been reported in the literature in individuals affected with MYLK-related conditions. In summary, the available evidence is currently insufficient to determine the role of this variant in disease. Therefore, it has been classified as a Variant of Uncertain Significance. Advanced modeling of protein sequence and biophysical properties (such as structural, functional, and spatial information, amino acid conservation, physicochemical variation, residue mobility, and thermodynamic stability) performed at Invitae indicates that this missense variant is not expected to disrupt MYLK protein function.

Ambry Genetics
Classification: Uncertain significance for Familial thoracic aortic aneurysm and aortic dissection. Last evaluated: 2021-09-15. Review status: criteria provided, single submitter. Criteria: Ambry Variant Classification Scheme 2023. Collection method: clinical testing. Allele origin: germline.
Comment: The p.N773S variant (also known as c.2318A>G), located in coding exon 13 of the MYLK gene, results from an A to G substitution at nucleotide position 2318. The asparagine at codon 773 is replaced by serine, an amino acid with highly similar properties. This amino acid position is conserved. In addition, this alteration is predicted to be tolerated by in silico analysis. Since supporting evidence is limited at this time, the clinical significance of this alteration remains unclear.